The following is an entry in ClinVar:

ClinVar aggregate classification (germline): Uncertain significance. Review status: criteria provided, multiple submitters, no conflicts (2 of 4 stars). 4 submissions from 4 submitters: Uncertain significance (4). Last evaluated 2026-01-12.

Conditions:
Cardiovascular phenotype. Identifiers: MedGen CN230736.
Ehlers-Danlos syndrome, musculocontractural type (EDSMC). Also called: Adducted thumb, clubfoot, progressive joint and skin laxity syndrome; ARTHROGRYPOSIS, DISTAL, WITH PECULIAR FACIES AND HYDRONEPHROSIS; ADDUCTED THUMB-CLUBFOOT SYNDROME; DUNDAR SYNDROME. Identifiers: Orphanet 2953, MedGen C1866294, MONDO:0011142.
Ehlers-Danlos syndrome, musculocontractural type 1. Identifiers: MedGen CN295219, MONDO:0020681, OMIM 601776.

Allele frequency attached by ClinVar (database versions not stated): gnomAD exomes 0.00001 and 0.00002; 1000 Genomes Project 30x 0.00016; gnomAD 0.00018 and 0.00019; TOPMed 0.00019; ExAC 0.00064.
gnomAD v4.1: 47 of 1,426,396 alleles (0.0033%); highest among the groups gnomAD compares: African/African-American, 0.063%; no homozygotes.

Submissions (4):

Labcorp Genetics (formerly Invitae), Labcorp
Classification: Uncertain significance for Ehlers-Danlos syndrome, musculocontractural type. Last evaluated: 2026-01-12. Review status: criteria provided, single submitter. Criteria: Invitae Variant Classification Sherloc (09022015). Collection method: clinical testing. Allele origin: germline.
Comment: This sequence change replaces threonine, which is neutral and polar, with asparagine, which is neutral and polar, at codon 7 of the CHST14 protein (p.Thr7Asn). The frequency data for this variant in the population databases is considered unreliable, as metrics indicate poor data quality at this position in the gnomAD database. This variant has not been reported in the literature in individuals affected with CHST14-related conditions. ClinVar contains an entry for this variant (Variation ID: 1470416). An algorithm developed to predict the effect of missense changes on protein structure and function (PolyPhen-2) suggests that this variant is likely to be disruptive. In summary, the available evidence is currently insufficient to determine the role of this variant in disease. Therefore, it has been classified as a Variant of Uncertain Significance.

Ambry Genetics
Classification: Uncertain significance for Cardiovascular phenotype. Last evaluated: 2025-12-18. Review status: criteria provided, single submitter. Criteria: Ambry Variant Classification Scheme 2023. Collection method: clinical testing. Allele origin: germline.
Comment: The p.T7N variant (also known as c.20C>A), located in coding exon 1 of the CHST14 gene, results from a C to A substitution at nucleotide position 20. The threonine at codon 7 is replaced by asparagine, an amino acid with similar properties. This amino acid position is well conserved in available vertebrate species. In addition, this alteration is predicted to be tolerated by in silico analysis. Based on the available evidence, the clinical significance of this variant remains unclear.

Mayo Clinic Laboratories, Mayo Clinic
Classification: Uncertain significance. Last evaluated: 2022-06-21. Review status: criteria provided, single submitter. Criteria: ACMG Guidelines, 2015. Collection method: clinical testing. Allele origin: germline. Observed: 1 variant allele.
Comment: BP4

Revvity Omics, Revvity
Classification: Uncertain significance for Ehlers-Danlos syndrome, musculocontractural type 1. Last evaluated: 2021-07-23. Review status: criteria provided, single submitter. Criteria: ACMG Guidelines, 2015. Collection method: clinical testing. Allele origin: germline.

NM_130468.4(CHST14):c.20C>A (p.Thr7Asn)

Genes: CHST14 (carbohydrate sulfotransferase 14; plus strand), LOC130056851 (ATAC-STARR-seq lymphoblastoid silent region 6336; plus strand). Cytogenetic location: 15q15.1.
Variant type: single nucleotide variant.
Coding change: c.20C>A on transcript NM_130468.4 (MANE Select); coding-DNA position 20, C replaced by A.
Protein change: p.Thr7Asn; replaces threonine 7 with asparagine.
Molecular consequence: missense variant.
Genome position (GRCh38, 1-based): chr15:40,471,233, C>A. VCF-style: chr15-40471233-C-A. GRCh37 (hg19) VCF-style: chr15-40763432-C-A.
Other names: p.Thr7Asn; c.20C>A (NM_130468.3); short protein forms T7N.
Identifiers: ClinVar variation 1470416 (VCV001470416.9), dbSNP rs766643057, ClinGen allele CA7481540.